The following is an entry in ClinVar:

NM_001330360.2(POLA1):c.3641C>T (p.Thr1214Ile)

Gene: POLA1 (DNA polymerase alpha 1, catalytic subunit; plus strand). Cytogenetic location: Xp22.11.
Variant type: single nucleotide variant.
Coding change: c.3641C>T on transcript NM_001330360.2 (MANE Select); coding-DNA position 3641, C replaced by T.
Protein change: p.Thr1214Ile; replaces threonine 1214 with isoleucine.
Molecular consequence: missense variant. On other transcripts: non-coding transcript variant (2).
Genome position (GRCh38, 1-based): chrX:24,826,506, C>T. VCF-style: chrX-24826506-C-T. GRCh37 (hg19) VCF-style: chrX-24844623-C-T.
Other names: c.3566C>T, p.Thr1189Ile (NM_001378303.1); c.3623C>T, p.Thr1208Ile (NM_016937.4); short protein forms T1208I, T1214I, T1189I.
Identifiers: ClinVar variation 2964056 (VCV002964056.3), dbSNP rs1390264046, ClinGen allele CA412528903.
Genomic context (GRCh38, chrX:24,826,506, plus strand): 5'-CAAGTCAGAGGGCCTATGCGCCTGAGCAGCTGCAGAAACAGGATAATCTAACCATTGACA[C>T]CCAGTACTACCTGGCCCAGCAGATCCACCCAGTCGTGGCTCGGATCTGTGAACCAATAGA-3'
Protein context (NP_001317289.1, residues 1204-1224): LQKQDNLTID[Thr1214Ile]QYYLAQQIHP

ClinVar aggregate classification (germline): Uncertain significance (1 of 4 stars; one submission).

Allele frequency attached by ClinVar (database versions not stated): gnomAD exomes below 0.00001; gnomAD 0.00002; TOPMed 0.00002.
gnomAD v4.1: 4 of 1,200,858 alleles (0.00033%); highest among the groups gnomAD compares: African/African-American, 0.0035%; no homozygotes.

Submission:

Labcorp Genetics (formerly Invitae), Labcorp
Classification: Uncertain significance. Last evaluated: 2022-12-11. Review status: criteria provided, single submitter. Criteria: Invitae Variant Classification Sherloc (09022015). Collection method: clinical testing. Allele origin: germline.
Comment: In summary, the available evidence is currently insufficient to determine the role of this variant in disease. Therefore, it has been classified as a Variant of Uncertain Significance. Advanced modeling of protein sequence and biophysical properties (such as structural, functional, and spatial information, amino acid conservation, physicochemical variation, residue mobility, and thermodynamic stability) performed at Invitae indicates that this missense variant is not expected to disrupt POLA1 protein function. This variant has not been reported in the literature in individuals affected with POLA1-related conditions. This variant is not present in population databases (gnomAD no frequency). This sequence change replaces threonine, which is neutral and polar, with isoleucine, which is neutral and non-polar, at codon 1208 of the POLA1 protein (p.Thr1208Ile).